The following is an entry in ClinVar:

ClinVar aggregate classification (germline): Uncertain significance (1 of 4 stars; one submission).

Submission:

Labcorp Genetics (formerly Invitae), Labcorp
Classification: Uncertain significance. Last evaluated: 2024-11-19. Review status: criteria provided, single submitter. Criteria: Invitae Variant Classification Sherloc (09022015). Collection method: clinical testing. Allele origin: germline.
Comment: This sequence change creates a premature translational stop signal (p.Arg196*) in the PSMB4 gene. It is expected to result in an absent or disrupted protein product. However, the current clinical and genetic evidence is not sufficient to establish whether loss-of-function variants in PSMB4 cause disease. This variant is present in population databases (rs372714296, gnomAD 0.007%). This variant has not been reported in the literature in individuals affected with PSMB4-related conditions. In summary, the available evidence is currently insufficient to determine the role of this variant in disease. Therefore, it has been classified as a Variant of Uncertain Significance.

NM_002796.3(PSMB4):c.586C>T (p.Arg196Ter)

Gene: PSMB4 (proteasome 20S subunit beta 4; plus strand). Cytogenetic location: 1q21.3.
Variant type: single nucleotide variant.
Coding change: c.586C>T on transcript NM_002796.3 (MANE Select); coding-DNA position 586, C replaced by T.
Protein change: p.Arg196Ter; replaces arginine 196 with a stop codon.
Molecular consequence: nonsense.
Genome position (GRCh38, 1-based): chr1:151,401,248, C>T. VCF-style: chr1-151401248-C-T. GRCh37 (hg19) VCF-style: chr1-151373724-C-T.
Other names: short protein forms R196*.
Identifiers: ClinVar variation 3621204 (VCV003621204.2).